The following is an entry in ClinVar:

NM_001253697.2(ERBIN):c.3890A>G (p.Lys1297Arg)

Gene: ERBIN (erbb2 interacting protein; plus strand). Cytogenetic location: 5q12.3.
Variant type: single nucleotide variant.
Coding change: c.3890A>G on transcript NM_001253697.2 (MANE Select); coding-DNA position 3890, A replaced by G.
Protein change: p.Lys1297Arg; replaces lysine 1297 with arginine.
Molecular consequence: missense variant. On other transcripts: intron variant (1).
Genome position (GRCh38, 1-based): chr5:66,075,157, A>G. VCF-style: chr5-66075157-A-G. GRCh37 (hg19) VCF-style: chr5-65370985-A-G.
Other names: c.3767A>G, p.Lys1256Arg (NM_001253698.2, NM_018695.4); c.3911A>G, p.Lys1304Arg (NM_001253699.2); c.3755A>G, p.Lys1252Arg (NM_001253701.2); c.3634-1159A>G (NM_001006600.3); short protein forms K1256R, K1297R, K1304R, K1252R.
Identifiers: ClinVar variation 3653058 (VCV003653058.2).

ClinVar aggregate classification (germline): Uncertain significance (1 of 4 stars; one submission).

Submission:

Labcorp Genetics (formerly Invitae), Labcorp
Classification: Uncertain significance. Last evaluated: 2024-05-11. Review status: criteria provided, single submitter. Criteria: Invitae Variant Classification Sherloc (09022015). Collection method: clinical testing. Allele origin: germline.
Comment: This sequence change replaces lysine, which is basic and polar, with arginine, which is basic and polar, at codon 1297 of the ERBIN protein (p.Lys1297Arg). This variant is not present in population databases (gnomAD no frequency). This variant has not been reported in the literature in individuals affected with ERBIN-related conditions. An algorithm developed to predict the effect of missense changes on protein structure and function (PolyPhen-2) suggests that this variant is likely to be tolerated. In summary, the available evidence is currently insufficient to determine the role of this variant in disease. Therefore, it has been classified as a Variant of Uncertain Significance.